The following is an entry in ClinVar:

ClinVar aggregate classification (germline): Conflicting classifications of pathogenicity. Review status: criteria provided, conflicting classifications (1 of 4 stars). 2 submissions from 2 submitters: Uncertain significance (1); Likely benign (1). Last evaluated 2025-09-01.

Conditions:
Monilethrix. Also called: Beaded hair. Identifiers: Orphanet 573, MedGen C0546966, MONDO:0008009, HP:0032470.

Allele frequency attached by ClinVar (database versions not stated): gnomAD 0.00006 and 0.00007; TOPMed 0.00006; gnomAD exomes 0.00007 and 0.00021; ESP Exome Variant Server 0.00008; ExAC 0.00009.

Submissions (2):

Ambry Genetics
Classification: Uncertain significance. Last evaluated: 2025-09-01. Review status: criteria provided, single submitter. Criteria: Ambry Variant Classification Scheme 2023. Collection method: clinical testing. Allele origin: germline.

Illumina Laboratory Services, Illumina
Classification: Likely benign for Monilethrix-1. Last evaluated: 2018-01-13. Review status: criteria provided, single submitter. Criteria: ICSL Variant Classification Criteria 13 December 2019. Collection method: clinical testing. Allele origin: germline.
Comment: This variant was observed in the ICSL laboratory as part of a predisposition screen in an ostensibly healthy population. It had not been previously curated by ICSL or reported in the Human Gene Mutation Database (HGMD: prior to June 1st, 2018), and was therefore a candidate for classification through an automated scoring system. Utilizing variant allele frequency, disease prevalence and penetrance estimates, and inheritance mode, an automated score was calculated to assess if this variant is too frequent to cause the disease. Based on the score and internal cut-off values, a variant classified as likely benign is not then subjected to further curation. The score for this variant resulted in a classification of likely benign for this disease.

NM_002282.3(KRT83):c.1302C>A (p.Ser434Arg)

Gene: KRT83 (keratin 83; minus strand). Cytogenetic location: 12q13.13.
Variant type: single nucleotide variant.
Coding change: c.1302C>A on transcript NM_002282.3 (MANE Select); coding-DNA position 1302, C replaced by A.
Protein change: p.Ser434Arg; replaces serine 434 with arginine.
Molecular consequence: missense variant.
Genome position (GRCh38, 1-based): chr12:52,314,811, G>T on the plus strand (C>A on the coding strand, the complement: KRT83 is on the minus strand). VCF-style: chr12-52314811-G-T. GRCh37 (hg19) VCF-style: chr12-52708595-G-T.
Other names: short protein forms S434R.
Identifiers: ClinVar variation 882054 (VCV000882054.5), dbSNP rs373203286, ClinGen allele CA6577291.